The following is an entry in ClinVar:

ClinVar aggregate classification (germline): Uncertain significance (1 of 4 stars; one submission).

Allele frequency attached by ClinVar (database versions not stated): gnomAD exomes below 0.00001; ExAC 0.00001.
gnomAD v4.1: 5 of 1,613,878 alleles (0.00031%); highest among the groups gnomAD compares: Non-Finnish European, 0.00034%; no homozygotes.

Submission:

Labcorp Genetics (formerly Invitae), Labcorp
Classification: Uncertain significance. Last evaluated: 2025-01-06. Review status: criteria provided, single submitter. Criteria: Invitae Variant Classification Sherloc (09022015). Collection method: clinical testing. Allele origin: germline.
Comment: This sequence change replaces glutamic acid, which is acidic and polar, with aspartic acid, which is acidic and polar, at codon 14 of the C8B protein (p.Glu14Asp). This variant is present in population databases (rs768954077, gnomAD 0.0009%). This variant has not been reported in the literature in individuals affected with C8B-related conditions. ClinVar contains an entry for this variant (Variation ID: 1899919). An algorithm developed to predict the effect of missense changes on protein structure and function (PolyPhen-2) suggests that this variant is likely to be tolerated. In summary, the available evidence is currently insufficient to determine the role of this variant in disease. Therefore, it has been classified as a Variant of Uncertain Significance.

NM_000066.4(C8B):c.42G>T (p.Glu14Asp)

Gene: C8B (complement C8 beta chain; minus strand). Cytogenetic location: 1p32.2.
Variant type: single nucleotide variant.
Coding change: c.42G>T on transcript NM_000066.4 (MANE Select); coding-DNA position 42, G replaced by T.
Protein change: p.Glu14Asp; replaces glutamic acid 14 with aspartic acid.
Molecular consequence: missense variant. On other transcripts: 5 prime UTR variant (2).
Genome position (GRCh38, 1-based): chr1:56,965,907, C>A on the plus strand (G>T on the coding strand, the complement: C8B is on the minus strand). VCF-style: chr1-56965907-C-A. GRCh37 (hg19) VCF-style: chr1-57431580-C-A.
Other names: c.-337G>T (NM_001278543.2); c.-274G>T (NM_001278544.2); short protein forms E14D.
Identifiers: ClinVar variation 1899919 (VCV001899919.5), dbSNP rs768954077, ClinGen allele CA876133.